The following is an entry in ClinVar:

NM_177438.3(DICER1):c.3440A>G (p.Asp1147Gly)

Gene: DICER1 (dicer 1, ribonuclease III; minus strand). Cytogenetic location: 14q32.13.
Variant type: single nucleotide variant.
Coding change: c.3440A>G on transcript NM_177438.3 (MANE Select); coding-DNA position 3440, A replaced by G.
Protein change: p.Asp1147Gly; replaces aspartic acid 1147 with glycine.
Molecular consequence: missense variant. On other transcripts: non-coding transcript variant (6).
Genome position (GRCh38, 1-based): chr14:95,103,956, T>C on the plus strand (A>G on the coding strand, the complement: DICER1 is on the minus strand). VCF-style: chr14-95103956-T-C. GRCh37 (hg19) VCF-style: chr14-95570293-T-C.
Other names: c.3440A>G, p.Asp1147Gly (NM_001195573.1, NM_001271282.3, NM_001291628.2 and 13 more transcripts); c.3158A>G, p.Asp1053Gly (NM_001395686.1); c.3035A>G, p.Asp1012Gly (NM_001395687.1, NM_001395688.1, NM_001395689.1 and 2 more transcripts); c.2873A>G, p.Asp958Gly (NM_001395691.1); c.1757A>G, p.Asp586Gly (NM_001395697.1); short protein forms D1147G, D958G, D1012G, D1053G, D586G.
Identifiers: ClinVar variation 2101346 (VCV002101346.1), dbSNP rs2139968533, ClinGen allele CA390875429.

ClinVar aggregate classification (germline): Uncertain significance (1 of 4 stars; one submission).

Conditions:
DICER1-related tumor predisposition. Also called: DICER1 syndrome; DICER1-related pleuropulmonary blastoma cancer predisposition syndrome. Identifiers: Orphanet 284343, MedGen C3839822, MONDO:0100216.

Submission:

Labcorp Genetics (formerly Invitae), Labcorp
Classification: Uncertain significance for DICER1-related tumor predisposition. Last evaluated: 2022-03-03. Review status: criteria provided, single submitter. Criteria: Invitae Variant Classification Sherloc (09022015). Collection method: clinical testing. Allele origin: germline.
Comment: This sequence change replaces aspartic acid, which is acidic and polar, with glycine, which is neutral and non-polar, at codon 1147 of the DICER1 protein (p.Asp1147Gly). This variant is not present in population databases (gnomAD no frequency). This variant has not been reported in the literature in individuals affected with DICER1-related conditions. Algorithms developed to predict the effect of missense changes on protein structure and function are either unavailable or do not agree on the potential impact of this missense change (SIFT: "Deleterious"; PolyPhen-2: "Benign"; Align-GVGD: "Class C0"). In summary, the available evidence is currently insufficient to determine the role of this variant in disease. Therefore, it has been classified as a Variant of Uncertain Significance.